The following is an entry in ClinVar:

ClinVar aggregate classification (germline): Conflicting classifications of pathogenicity. Review status: criteria provided, conflicting classifications (1 of 4 stars). 19 submissions from 18 submitters: Pathogenic (3); Likely pathogenic (7); Uncertain significance (8). 1 of the submissions does not count toward it. Last evaluated 2026-10-17.

Conditions:
Inborn genetic diseases. Identifiers: MedGen C0950123, MeSH D030342.
Glycine encephalopathy. Also called: Non-ketotic hyperglycinemia; Nonketotic hyperglycinemia. Identifiers: Orphanet 407, MedGen C0751748, MONDO:0011612, HP:0008288.
Glycine encephalopathy 1 (GCE1). Identifiers: MedGen CN376801, MONDO:0958179, OMIM 605899.

Allele frequency attached by ClinVar (database versions not stated): ExAC 0.00034; gnomAD 0.00035 and 0.00036; TOPMed 0.00048; 1000 Genomes Project 30x 0.00016; 1000 Genomes Project 0.00020; ESP Exome Variant Server 0.00038.
gnomAD v4.1: 709 of 1,597,928 alleles (0.044%); highest among the groups gnomAD compares: Non-Finnish European, 0.049%; no homozygotes.

Submissions 1 to 7 of 19:

GeneDx
Classification: Pathogenic. Last evaluated: 2026-10-17. Review status: criteria provided, single submitter. Criteria: GeneDx Variant Classification Process June 2021. Collection method: clinical testing. Allele origin: germline.
Comment: Published functional studies demonstrate a damaging effect, specifically in mice with the variant, showing an accumulation of glycine in the liver and brain (PMID: 32743799); In silico analysis supports that this missense variant has a deleterious effect on protein structure/function; This variant is associated with the following publications: (PMID: 27362913, 16802295, 29988937, 29205322, 32743799)

OLLIN Analises Genomicas, OLLIN
Classification: Pathogenic for Glycine encephalopathy 1. Last evaluated: 2026-08-06. Review status: criteria provided, single submitter. Criteria: ACMG Guidelines 2015 PMID 25741868. Collection method: clinical testing. Allele origin: germline. Inheritance: Autosomal recessive inheritance.
Comment: This missense variant, located in exon 24 (of 25), has been reported in ClinVar (accession VCV000554247.42), in gnomAD with an allele frequency of 0.044%, and in the scientific literature, in compound heterozygosity, in individuals with GLDC related disorders (PMID: 16802295, 27362913, 38572626, 32743799). Functional studies suggest that this variant may affect protein function, and in silico analysis predicts a deleterious effect (PMID: 16802295). According to the currently available evidence, this variant has been classified as pathogenic (PS3_P, PM2_P, PM3_VS, PP3).

Dasa
Classification: Likely pathogenic. Last evaluated: 2026-04-21. Review status: criteria provided, single submitter. Criteria: DASA Assertion Criteria. Collection method: clinical testing. Allele origin: germline.
Comment: NM_000170.3(GLDC):c.2852C>A (p.Ser951Tyr) is a missense variant that results in the substitution of serine with tyrosine. Segregation data support an association with disease in the reported family/families (PMID: 38572626; PMID: 27362913). This variant has been recurrently observed in individuals with GLDC-related disorders (PMID: 38572626; PMID: 27362913). Functional evidence supports an impact on the gene or gene product (PMID: 38572626; PMID: 27362913). Also, this variant is rare in population databases. Computational evidence supports a deleterious effect. Based on the currently available evidence, this variant is classified as likely pathogenic.

Labcorp Genetics (formerly Invitae), Labcorp
Classification: Pathogenic for Glycine encephalopathy. Last evaluated: 2026-02-02. Review status: criteria provided, single submitter. Criteria: Invitae Variant Classification Sherloc (09022015). Collection method: clinical testing. Allele origin: germline.
Comment: This sequence change replaces serine, which is neutral and polar, with tyrosine, which is neutral and polar, at codon 951 of the GLDC protein (p.Ser951Tyr). This variant is present in population databases (rs147472391, gnomAD 0.07%). This missense change has been observed in individual(s) with glycine encephalopathy and/or nonketotic hyperglycinemia (PMID: 27362913). In at least one individual the data is consistent with being in trans (on the opposite chromosome) from a pathogenic variant. ClinVar contains an entry for this variant (Variation ID: 554247). Invitae Evidence Modeling of protein sequence and biophysical properties (such as structural, functional, and spatial information, amino acid conservation, physicochemical variation, residue mobility, and thermodynamic stability) indicates that this missense variant is expected to disrupt GLDC protein function with a positive predictive value of 95%. Experimental studies have shown that this missense change affects GLDC function (PMID: 16802295). For these reasons, this variant has been classified as Pathogenic.

Victorian Clinical Genetics Services, Murdoch Childrens Research Institute
Classification: Uncertain significance for Glycine encephalopathy 1. Last evaluated: 2026-01-08. Review status: criteria provided, single submitter. Criteria: ACMG Guidelines, 2015. Collection method: clinical testing. Allele origin: germline.
Comment: This variant is classified as VUS-3A. Evidence in support of pathogenic classification: Variant is present in gnomAD <0.01 for a recessive condition (v4: 709 heterozygote(s), 0 homozygote(s)); This variant has moderate functional evidence supporting abnormal protein function. Expression analysis in COS7 cells showed that GLDC cDNA with the S951Y mutation had 39% enzymatic residual activity compared with normal cDNA (PMID: 16802295). Additional information: Variant is predicted to result in a missense amino acid change from Ser to Tyr; This variant is heterozygous; This gene is associated with autosomal recessive disease; Alternative amino acid change(s) at the same position are present in gnomAD (highest allele count: v4: 3 heterozygote(s), # homozygote(s)); Previous evidence of pathogenicity for this variant is inconclusive. This variant has been classified as pathogenic, likely pathogenic and as a VUS by diagnostic laboratories in ClinVar. It has also been identified in a compound heterozygous individual with nonketotic hyperglycinemia (NKH) (PMID: 27362913), multiple heterozygous individuals without a second variant in the gene (PMID: 38539105, 16802295, 29205322, 39488673), and in a homozygous infant with severe NKH who also had a homozygous NMD-predicted variant in ATM (PMID: 38572626); No published evidence of segregation with disease has been identified for this variant; No comparable missense variants have previous evidence for pathogenicity; Variant is not located in an established domain, motif, hotspot or informative constraint region; Missense variant with inconclusive in silico prediction and/or uninformative conservation; Loss of function is a known mechanism of disease in this gene and is associated with glycine encephalopathy 1 (MIM#605899); Variants in this gene are known to have variable expressivity. The clinical severity of this disease is variable, with symptoms ranging from the mild transient neonatal hyperglycinemia to the severe classic neonatal form (OMIM).

Natera, Inc.
Classification: Likely pathogenic for Non-ketotic hyperglycinemia. Last evaluated: 2025-11-25. Review status: criteria provided, single submitter. Criteria: Natera Variant Classification Schema (03/2026). Collection method: clinical testing. Allele origin: germline.
Comment: The c.2852C>A variant in GLDC is a missense variant predicted to cause substitution of serine to tyrosine at amino acid 951. This variant is rare in the general population with a frequency below the threshold expected for the associated phenotype(s). This variant has been observed in one or more individuals affected with the associated recessive disease, as either homozygous or compound heterozygous with a second variant (PMID: 27362913). Functional studies show that this variant may disrupt protein function (PMID: 32743799). Computational prediction algorithms indicate this variant is likely to affect gene or protein function. Given the available evidence, this variant is classified as Likely Pathogenic.

Ambry Genetics
Classification: Uncertain significance for Inborn genetic diseases. Last evaluated: 2025-08-25. Review status: criteria provided, single submitter. Criteria: Ambry Variant Classification Scheme 2023. Collection method: clinical testing. Allele origin: germline.
Comment: The c.2852C>A (p.S951Y) alteration is located in exon 24 (coding exon 24) of the GLDC gene. This alteration results from a C to A substitution at nucleotide position 2852, causing the serine (S) at amino acid position 951 to be replaced by a tyrosine (Y). Based on data from gnomAD, the A allele has an overall frequency of 0.033% (94/282516) total alleles studied. The highest observed frequency was 0.06% (15/25086) of European (Finnish) alleles. This variant has been identified in the homozygous state and/or in conjunction with other GLDC variant(s) in individual(s) with features consistent with glycine encephalopathy; in at least one instance, the variants were identified in trans (Coughlin, 2017). This amino acid position is not well conserved in available vertebrate species. Functional studies suggest a partial loss of function; however, additional evidence is needed to confirm this finding (del Toro, 2006). An animal model expressing this variant exhibited biochemical phenotype(s) consistent with GLDC-related disease (Leung, 2020). The in silico prediction for this alteration is inconclusive. Based on insufficient or conflicting evidence, the clinical significance of this alteration remains unclear.

NM_000170.3(GLDC):c.2852C>A (p.Ser951Tyr)

Gene: GLDC (glycine decarboxylase; minus strand). Cytogenetic location: 9p24.1.
Variant type: single nucleotide variant.
Coding change: c.2852C>A on transcript NM_000170.3 (MANE Select); coding-DNA position 2852, C replaced by A.
Protein change: p.Ser951Tyr; replaces serine 951 with tyrosine.
Molecular consequence: missense variant.
Genome position (GRCh38, 1-based): chr9:6,534,775, G>T on the plus strand (C>A on the coding strand, the complement: GLDC is on the minus strand). VCF-style: chr9-6534775-G-T. GRCh37 (hg19) VCF-style: chr9-6534775-G-T.
Other names: short protein forms S951Y.
Identifiers: ClinVar variation 554247 (VCV000554247.46), dbSNP rs147472391, ClinGen allele CA4980035.